The following is an entry in ClinVar:

ClinVar aggregate classification (germline): Benign/Likely benign. Review status: criteria provided, multiple submitters, no conflicts (2 of 4 stars). 7 submissions from 7 submitters: Benign (5); Likely benign (2). Last evaluated 2026-02-04.

Conditions:
Primary ciliary dyskinesia. Also called: Ciliary dyskinesia. Identifiers: Orphanet 244, MedGen C0008780, MONDO:0016575, HP:0012265.

Allele frequency attached by ClinVar (database versions not stated): 1000 Genomes Project 0.03794; 1000 Genomes Project 30x 0.03841; TOPMed 0.03854; gnomAD exomes 0.03948 and 0.04466; ExAC 0.04146; gnomAD 0.04164; ESP Exome Variant Server 0.04308.
gnomAD v4.1: 70,845 of 1,603,644 alleles (4.4%); highest among the groups gnomAD compares: South Asian, 5.5%; 1,805 homozygotes.

Submissions (7):

Labcorp Genetics (formerly Invitae), Labcorp
Classification: Benign for Primary ciliary dyskinesia. Last evaluated: 2026-02-04. Review status: criteria provided, single submitter. Criteria: Invitae Variant Classification Sherloc (09022015). Collection method: clinical testing. Allele origin: germline.

Blueprint Genetics
Classification: Likely benign. Last evaluated: 2024-11-27. Review status: criteria provided, single submitter. Criteria: ACMG Guidelines, 2015. Collection method: clinical testing. Allele origin: germline.

Mayo Clinic Laboratories, Mayo Clinic
Classification: Benign. Last evaluated: 2022-04-26. Review status: criteria provided, single submitter. Criteria: ACMG Guidelines, 2015. Collection method: clinical testing. Allele origin: germline. Observed: 16 variant alleles.

GeneDx
Classification: Benign. Last evaluated: 2018-12-31. Review status: criteria provided, single submitter. Criteria: GeneDx Variant Classification Process June 2021. Collection method: clinical testing. Allele origin: germline. Affected: yes.

Laboratory for Molecular Medicine, Mass General Brigham Personalized Medicine
Classification: Benign. Last evaluated: 2013-02-21. Review status: criteria provided, single submitter. Criteria: LMM Criteria. Collection method: clinical testing. Allele origin: germline. Observed: 12 variant alleles.
Comment: Ala568Thr in exon 9 of DNAH11: This variant is not expected to have clinical sig nificance because it has been identified in 4.4% (362/8154) of European American chromosomes from a broad population by the NHLBI Exome Sequencing Project (dbSNP rs72655988).

Breakthrough Genomics
Classification: Likely benign. Review status: criteria provided, single submitter. Criteria: ACMG Guidelines, 2015. Collection method: not provided. Allele origin: germline. Inheritance: Autosomal recessive inheritance. Affected: yes.

PreventionGenetics, part of Exact Sciences
Classification: Benign. Review status: criteria provided, single submitter. Criteria: ACMG Guidelines, 2015. Collection method: clinical testing. Allele origin: germline.

NM_001277115.2(DNAH11):c.1702G>A (p.Ala568Thr)

Gene: DNAH11 (dynein axonemal heavy chain 11; plus strand). Cytogenetic location: 7p15.3.
Variant type: single nucleotide variant.
Coding change: c.1702G>A on transcript NM_001277115.2 (MANE Select); coding-DNA position 1702, G replaced by A.
Protein change: p.Ala568Thr; replaces alanine 568 with threonine.
Molecular consequence: missense variant.
Genome position (GRCh38, 1-based): chr7:21,582,013, G>A. VCF-style: chr7-21582013-G-A. GRCh37 (hg19) VCF-style: chr7-21621631-G-A.
Other names: short protein forms A568T.
Identifiers: ClinVar variation 178724 (VCV000178724.25), dbSNP rs72655988, ClinGen allele CA182889.